The following is an entry in ClinVar:

ClinVar aggregate classification (germline): Uncertain significance (1 of 4 stars; one submission).

Conditions:
Inborn genetic diseases. Identifiers: MedGen C0950123, MeSH D030342.

Submission:

Ambry Genetics
Classification: Uncertain significance for Inborn genetic diseases. Last evaluated: 2025-12-21. Review status: criteria provided, single submitter. Criteria: Ambry Variant Classification Scheme 2023. Collection method: clinical testing. Allele origin: germline.
Comment: The p.G121C variant (also known as c.361G>T), located in coding exon 5 of the ASXL1 gene, results from a G to T substitution at nucleotide position 361. The glycine at codon 121 is replaced by cysteine, an amino acid with highly dissimilar properties. This amino acid position is conserved. In addition, this alteration is predicted to be tolerated by in silico analysis. Based on the available evidence, the clinical significance of this variant remains unclear.

NM_015338.6(ASXL1):c.361G>T (p.Gly121Cys)

Gene: ASXL1 (ASXL transcriptional regulator 1; plus strand). Cytogenetic location: 20q11.21.
Variant type: single nucleotide variant.
Coding change: c.361G>T on transcript NM_015338.6 (MANE Select); coding-DNA position 361, G replaced by T.
Protein change: p.Gly121Cys; replaces glycine 121 with cysteine.
Molecular consequence: missense variant.
Genome position (GRCh38, 1-based): chr20:32,428,236, G>T. VCF-style: chr20-32428236-G-T. GRCh37 (hg19) VCF-style: chr20-31016039-G-T.
Other names: c.331G>T, p.Gly111Cys (NM_001363734.1); short protein forms G111C, G121C.
Identifiers: ClinVar variation 4843640 (VCV004843640.1).
Genomic context (GRCh38, chr20:32,428,236, plus strand): 5'-GAGCCAGAGGACACGGCTGATGTGGAGAGCTGTGGGTCTAATGAAGCCAGCACTGTGAGT[G>T]GTGAAAACGATGGTAAGGACCCTTTAATGGATGGGTGAGGGAGCCACAGCAGGCACTAGG-3'
Protein context (NP_056153.2, residues 111-131): CGSNEASTVS[Gly121Cys]ENDVSLDETS